The following is an entry in ClinVar:

ClinVar aggregate classification (germline): Conflicting classifications of pathogenicity. Review status: criteria provided, conflicting classifications (1 of 4 stars). 4 submissions from 4 submitters: Likely pathogenic (1); Uncertain significance (1). 2 of the submissions do not count toward it. Last evaluated 2026-08-26.

Conditions:
Pontocerebellar hypoplasia type 7. Identifiers: Orphanet 284339, MedGen C3554226, MONDO:0013993, OMIM 614969.
Inborn genetic diseases. Identifiers: MedGen C0950123, MeSH D030342.

Allele frequency attached by ClinVar (database versions not stated): ExAC 0.00002; gnomAD 0.00004 and 0.00003; gnomAD exomes below 0.00001 and 0.00002; ESP Exome Variant Server 0.00008; TOPMed 0.00003.
gnomAD v4.1: 36 of 1,613,896 alleles (0.0022%); highest among the groups gnomAD compares: Non-Finnish European, 0.003%; no homozygotes.

Submissions (4):

GeneDx
Classification: Likely pathogenic. Last evaluated: 2026-08-26. Review status: criteria provided, single submitter. Criteria: GeneDx Variant Classification Process June 2021. Collection method: clinical testing. Allele origin: germline.
Comment: Published functional studies demonstrate F148Y depletes and severely impairs TOE1 expression and function (PMID: 42178111, 28092684); Not observed at significant frequency in large population cohorts (gnomAD); In silico analysis supports that this missense variant has a deleterious effect on protein structure/function; This variant is associated with the following publications: (PMID: 28092684, 34716526, 42178111)

Ambry Genetics
Classification: Uncertain significance for Inborn genetic diseases. Last evaluated: 2024-04-18. Review status: criteria provided, single submitter. Criteria: Ambry Variant Classification Scheme 2023. Collection method: clinical testing. Allele origin: germline.

University of Washington Center for Mendelian Genomics, University of Washington
Classification: Likely pathogenic for Pontocerebellar Hypoplasia Type 7. Last evaluated: 2017-07-16. Review status: no assertion criteria provided. Collection method: research. Allele origin: unknown. Affected: yes. Not counted in ClinVar's aggregate classification.

OMIM
Classification: Pathogenic for PONTOCEREBELLAR HYPOPLASIA, TYPE 7. Last evaluated: 2017-04-15. Review status: no assertion criteria provided. Collection method: literature only. Allele origin: germline. Not counted in ClinVar's aggregate classification.

Literature cited by the submitters: PubMed 28092684 (cited by 3 submitters).

NM_025077.4(TOE1):c.443T>A (p.Phe148Tyr)

Gene: TOE1 (target of EGR1, exonuclease; plus strand). Cytogenetic location: 1p34.1.
Variant type: single nucleotide variant.
Coding change: c.443T>A on transcript NM_025077.4 (MANE Select); coding-DNA position 443, T replaced by A.
Protein change: p.Phe148Tyr; replaces phenylalanine 148 with tyrosine.
Molecular consequence: missense variant.
Genome position (GRCh38, 1-based): chr1:45,342,058, T>A. VCF-style: chr1-45342058-T-A. GRCh37 (hg19) VCF-style: chr1-45807730-T-A.
Other names: TOE1, PHE148TYR (rs148067486); short protein forms F148Y.
Identifiers: ClinVar variation 417747 (VCV000417747.5), dbSNP rs148067486, ClinGen allele CA826560.